The following is an entry in ClinVar:

ClinVar aggregate classification (germline): Uncertain significance (1 of 4 stars; one submission).

Submission:

GeneDx
Classification: Uncertain significance. Last evaluated: 2019-09-03. Review status: criteria provided, single submitter. Criteria: GeneDx Variant Classification Process June 2021. Collection method: clinical testing. Allele origin: germline. Affected: yes.
Comment: Not observed in large population cohorts (Lek et al., 2016); Has not been previously published as pathogenic or benign to our knowledge

NM_001330260.2(SCN8A):c.3895A>T (p.Arg1299Ter)

Gene: SCN8A (sodium voltage-gated channel alpha subunit 8; plus strand). Cytogenetic location: 12q13.13.
Variant type: single nucleotide variant.
Coding change: c.3895A>T on transcript NM_001330260.2 (MANE Select); coding-DNA position 3895, A replaced by T.
Protein change: p.Arg1299Ter; replaces arginine 1299 with a stop codon.
Molecular consequence: nonsense. On other transcripts: intron variant (2).
Genome position (GRCh38, 1-based): chr12:51,780,724, A>T. VCF-style: chr12-51780724-A-T. GRCh37 (hg19) VCF-style: chr12-52174508-A-T.
Other names: c.3895A>T, p.Arg1299Ter (NM_014191.4); c.3820-5818A>T (NM_001177984.3, NM_001369788.1); short protein forms R1299*.
Identifiers: ClinVar variation 423443 (VCV000423443.3), dbSNP rs1064796430, ClinGen allele CA16619561.